The following is an entry in ClinVar:

ClinVar aggregate classification (germline): Uncertain significance (1 of 4 stars; one submission).

Allele frequency attached by ClinVar (database versions not stated): gnomAD exomes below 0.00001 and 0.00001; gnomAD 0.00002; TOPMed 0.00002.
gnomAD v4.1: 23 of 1,608,176 alleles (0.0014%); highest among the groups gnomAD compares: Non-Finnish European, 0.0019%; no homozygotes.

Submission:

Labcorp Genetics (formerly Invitae), Labcorp
Classification: Uncertain significance. Last evaluated: 2021-07-13. Review status: criteria provided, single submitter. Criteria: Invitae Variant Classification Sherloc (09022015). Collection method: clinical testing. Allele origin: germline.
Comment: This sequence change replaces asparagine with serine at codon 544 of the XPR1 protein (p.Asn544Ser). The asparagine residue is highly conserved and there is a small physicochemical difference between asparagine and serine. This variant is not present in population databases (ExAC no frequency). This variant has not been reported in the literature in individuals affected with XPR1-related conditions. Algorithms developed to predict the effect of missense changes on protein structure and function are either unavailable or do not agree on the potential impact of this missense change (SIFT: "Tolerated"; PolyPhen-2: "Possibly Damaging"; Align-GVGD: "Class C0"). In summary, the available evidence is currently insufficient to determine the role of this variant in disease. Therefore, it has been classified as a Variant of Uncertain Significance.

NM_004736.4(XPR1):c.1631A>G (p.Asn544Ser)

Gene: XPR1 (xenotropic and polytropic retrovirus receptor 1; plus strand). Cytogenetic location: 1q25.3.
Variant type: single nucleotide variant.
Coding change: c.1631A>G on transcript NM_004736.4 (MANE Select); coding-DNA position 1631, A replaced by G.
Protein change: p.Asn544Ser; replaces asparagine 544 with serine.
Molecular consequence: missense variant. On other transcripts: non-coding transcript variant (1).
Genome position (GRCh38, 1-based): chr1:180,863,837, A>G. VCF-style: chr1-180863837-A-G. GRCh37 (hg19) VCF-style: chr1-180832973-A-G.
Other names: c.1436A>G, p.Asn479Ser (NM_001135669.2); short protein forms N479S, N544S.
Identifiers: ClinVar variation 1438126 (VCV001438126.8), dbSNP rs1369181569, ClinGen allele CA343841934.